The following is an entry in ClinVar:

NM_000077.5(CDKN2A):c.352G>A (p.Ala118Thr)

Gene: CDKN2A (cyclin dependent kinase inhibitor 2A; minus strand). Cytogenetic location: 9p21.3.
Variant type: single nucleotide variant.
Coding change: c.352G>A on transcript NM_000077.5; coding-DNA position 352, G replaced by A.
Protein change: p.Ala118Thr; replaces alanine 118 with threonine.
Molecular consequence: missense variant (on NM_000077.6). On other transcripts: 3 prime UTR variant (1).
Genome position (GRCh38, 1-based): chr9:21,971,007, C>T on the plus strand (G>A on the coding strand, the complement: CDKN2A is on the minus strand). VCF-style: chr9-21971007-C-T. GRCh37 (hg19) VCF-style: chr9-21971006-C-T.
Other names: c.352G>A, p.Ala118Thr (NM_000077.6, NM_001195132.2); c.199G>A, p.Ala67Thr (NM_001363763.2); c.395G>A, p.Gly132Asp (NM_058195.4); c.*275G>A (NM_058197.5); short protein forms A118T, G132D, A67T.
Identifiers: ClinVar variation 491574 (VCV000491574.19), dbSNP rs1554653960, ClinGen allele CA373086001.

ClinVar aggregate classification (germline): Uncertain significance. Review status: criteria provided, multiple submitters, no conflicts (2 of 4 stars). 5 submissions from 5 submitters: Uncertain significance (5). Last evaluated 2025-03-26.

Conditions:
Melanoma-pancreatic cancer syndrome. Identifiers: Orphanet 404560, MedGen C1838547, MONDO:0011713, OMIM 606719. Disease mechanism: loss of function.
Familial melanoma. Also called: Hereditary melanoma; Hereditary cutaneous melanoma. Identifiers: Orphanet 618, MedGen C1512419, MONDO:0018961.
Hereditary cancer-predisposing syndrome. Also called: Tumor predisposition; Hereditary Cancer Syndrome; Neoplastic Syndromes, Hereditary; Hereditary neoplastic syndrome. Identifiers: Orphanet 140162, MedGen C0027672, MeSH D009386, MONDO:0015356.

Allele frequency attached by ClinVar (database versions not stated): gnomAD exomes below 0.00001; TOPMed below 0.00001; gnomAD 0.00001.
gnomAD v4.1: 7 of 1,608,806 alleles (0.00044%); highest among the groups gnomAD compares: Non-Finnish European, 0.00051%; no homozygotes.

Submissions (5):

Quest Diagnostics Nichols Institute San Juan Capistrano
Classification: Uncertain significance. Last evaluated: 2025-03-26. Review status: criteria provided, single submitter. Criteria: Quest Diagnostics criteria. Collection method: clinical testing. Allele origin: unknown.
Comment: The CDKN2A c.352G>A (p.Ala118Thr) variant, which has the alternate reading frame of the CDKN2A (p14) gene known as c.395G>A (p.Gly132Asp), has been reported in the published literature in individuals with melanoma (PMID: 9328469 (1997), 12072543 (2002), 32482799 (2021)) and head and neck cancer (PMID: 31925297 (2020)). Functional studies demonstrated that this variant had an inconclusive effect on protein function (PMID: 9328469 (1997), 10498896 (1999), 21462282 (2011)). The frequency of this variant in the general population (Genome Aggregation Database) is uninformative in the assessment of its pathogenicity. Analysis of this variant using bioinformatics tools for the prediction of the effect of amino acid changes on protein structure and function yielded predictions that this variant is damaging. Based on the available information, we are unable to determine the clinical significance of this variant.

Labcorp Genetics (formerly Invitae), Labcorp
Classification: Uncertain significance for Familial melanoma. Last evaluated: 2024-09-27. Review status: criteria provided, single submitter. Criteria: Invitae Variant Classification Sherloc (09022015). Collection method: clinical testing. Allele origin: germline.
Comment: The CDKN2A gene encodes two different proteins, p16INK4a and p14ARF, which are translated from alternative transcripts with different open reading frames. Both transcripts have been analyzed. We report either the variant with the higher classification or default to the CDKN2A (p16INK4a) variant. This report therefore includes the details for the CDKN2A (p16INK4a) variant. This sequence change replaces alanine, which is neutral and non-polar, with threonine, which is neutral and polar, at codon 118 of the CDKN2A (p16INK4a) protein (p.Ala118Thr). This variant is not present in population databases (gnomAD no frequency). This missense change has been observed in individual(s) with melanoma (PMID: 9328469, 29661971). It has also been observed to segregate with disease in related individuals. This variant is also known as c.395G>A (p.Gly132Asp) in the CDKN2A (p14ARF) transcript. ClinVar contains an entry for this variant (Variation ID: 491574). An algorithm developed to predict the effect of missense changes on protein structure and function (PolyPhen-2) suggests that this variant is likely to be disruptive. Experimental studies are conflicting or provide insufficient evidence to determine the effect of this variant on CDKN2A (p16INK4a) function (PMID: 9328469, 21462282). In summary, the available evidence is currently insufficient to determine the role of this variant in disease. Therefore, it has been classified as a Variant of Uncertain Significance.

Ambry Genetics
Classification: Uncertain significance for Hereditary cancer-predisposing syndrome. Last evaluated: 2024-07-17. Review status: criteria provided, single submitter. Criteria: Ambry Variant Classification Scheme 2023. Collection method: clinical testing. Allele origin: germline.
Comment: The p.A118T variant (also known as c.352G>A), located in coding exon 2 of the CDKN2A gene, results from a G to A substitution at nucleotide position 352. The alanine at codon 118 is replaced by threonine, an amino acid with similar properties. This alteration has been observed in an individual with a personal and family history that is consistent with familial atypical multiple mole melanoma syndrome (Harland M et al. Hum Mol Genet. 1997 Nov;6:2061-7; Bishop JA et al. J Invest Dermatol. 2000 Jan;114:28-33; Newton Bishop JA et al. Br J Cancer. 1999 Apr;80:295-300). This variant has been shown to have the capacity to bind CDK4 and CDK6 (Harland M et al. Hum Mol Genet. 1997 Nov;6:2061-7; Ruas M et al. Oncogene. 1999 Sep;18:5423-34). However, this variant's impact on cell cycle activity has shown variable results (Ruas M et al. Oncogene. 1999 Sep;18:5423-34; Miller PJ et al. Hum Mutat. 2011 Aug;32:900-11). This amino acid position is highly conserved in available vertebrate species. In addition, this alteration is predicted to be deleterious by in silico analysis. This variant is considered to be rare based on population cohorts in the Genome Aggregation Database (gnomAD). Since supporting evidence is limited at this time, the clinical significance of this alteration remains unclear.

Color Diagnostics, LLC DBA Color Health
Classification: Uncertain significance for Hereditary cancer-predisposing syndrome. Last evaluated: 2023-12-11. Review status: criteria provided, single submitter. Criteria: ACMG Guidelines, 2015. Collection method: clinical testing. Allele origin: germline.
Comment: The CDKN2A locus encodes two different gene products, p16INK4a and p14ARF. This missense variant replaces glycine with aspartic acid at codon 132 of the CDKN2A (p16INK4A) protein. Computational prediction is inconclusive regarding the impact of this variant on protein structure and function. Functional studies have shown conflicting results with regards to this variants impact on CDK4 and CDK6 binding, temperature sensitivity, and cell cycle activity (PMID: 9328469, 10498896, 21462282). This variant has been reported in at least five families affected with melanoma (PMID: 9328469, 29661971, 32482799). This variant has not been identified in the general population by the Genome Aggregation Database (gnomAD). The available evidence is insufficient to determine the role of this variant in disease conclusively. Therefore, this variant is classified as a Variant of Uncertain Significance.

Department of Pathology and Laboratory Medicine, Sinai Health System
Classification: Uncertain significance for Melanoma-pancreatic cancer syndrome. Last evaluated: 2023-10-24. Review status: criteria provided, single submitter. Criteria: ACMG Guidelines, 2015. Collection method: clinical testing. Allele origin: germline. Affected: yes.

Literature cited by the submitters: PubMed 21462282 (cited by 5 submitters); PubMed 9328469 (cited by 5 submitters); PubMed 12072543 (cited by Quest Diagnostics Nichols Institute San Juan Capistrano); PubMed 32482799 (cited by Quest Diagnostics Nichols Institute San Juan Capistrano and Color Diagnostics, LLC DBA Color Health); PubMed 31925297 (cited by Quest Diagnostics Nichols Institute San Juan Capistrano); PubMed 10498896 (cited by 4 submitters); PubMed 29661971 (cited by 4 submitters); PubMed 10620111 (cited by 3 submitters); PubMed 10390011 (cited by 3 submitters).